The following is an entry in ClinVar:

NM_000093.5(COL5A1):c.2565del (p.Gly856fs)

Gene: COL5A1 (collagen type V alpha 1 chain; plus strand). Cytogenetic location: 9q34.3.
Variant type: Deletion.
Coding change: c.2565del on transcript NM_000093.5 (MANE Select); coding-DNA position 2565, one base deleted (C; older notation c.2565delC).
Protein change: p.Gly856fs; shifts the reading frame from glycine 856.
Molecular consequence: frameshift variant.
Genome position (GRCh38, 1-based): chr9:134,785,069, C deleted; the last of 4 consecutive C bases (chr9:134,785,066-134,785,069); deleting any one gives the same sequence. VCF-style (leftmost placement, unchanged base first): chr9-134785065-AC-A. GRCh37 (hg19) VCF-style: chr9-137676911-AC-A.
Other names: c.2565del, p.Gly856fs (NM_001278074.1); c.2565delC (NM_000093.4); short protein forms G856fs.
Identifiers: ClinVar variation 578798 (VCV000578798.8), dbSNP rs1564457102, ClinGen allele CA891842587.
Genomic context (GRCh38, chr9:134,785,065, plus strand): 5'-CCGGTCCCAGGGGAGAAGATGGCCCTGAAGGCCCAAAGGGTCGCGGAGGTCCCAATGGTG[AC>A]CCCGGTCCTCTGGGACCCCCTGGGGAGAAGGTTTGTGATGTGGGACGTTCAGCCACTTTC-3'

ClinVar aggregate classification (germline): Pathogenic (1 of 4 stars; one submission).

Conditions:
Ehlers-Danlos syndrome, classic type, 1 (EDSCL1). Also called: Ehlers-Danlos Syndrome, Classic Type, COL5A1-Related; EDS I; Ehlers-Danlos syndrome, type 1; EHLERS-DANLOS SYNDROME, GRAVIS TYPE; EHLERS-DANLOS SYNDROME, SEVERE CLASSIC TYPE. Identifiers: MedGen C0268335, MONDO:0019567, OMIM 130000.

Submission:

Labcorp Genetics (formerly Invitae), Labcorp
Classification: Pathogenic for Ehlers-Danlos syndrome, classic type, 1. Last evaluated: 2022-05-22. Review status: criteria provided, single submitter. Criteria: Invitae Variant Classification Sherloc (09022015). Collection method: clinical testing. Allele origin: germline.
Comment: For these reasons, this variant has been classified as Pathogenic. ClinVar contains an entry for this variant (Variation ID: 578798). This variant has not been reported in the literature in individuals affected with COL5A1-related conditions. This variant is not present in population databases (gnomAD no frequency). This sequence change creates a premature translational stop signal (p.Gly856Valfs*218) in the COL5A1 gene. It is expected to result in an absent or disrupted protein product. Loss-of-function variants in COL5A1 are known to be pathogenic (PMID: 23587214).

Literature cited by the submitters: PubMed 23587214.